The following is an entry in ClinVar:

ClinVar aggregate classification (germline): Uncertain significance (1 of 4 stars; one submission).

Submission:

Labcorp Genetics (formerly Invitae), Labcorp
Classification: Uncertain significance. Last evaluated: 2025-08-10. Review status: criteria provided, single submitter. Criteria: Invitae Variant Classification Sherloc (09022015). Collection method: clinical testing. Allele origin: germline.
Comment: This sequence change replaces arginine, which is basic and polar, with cysteine, which is neutral and slightly polar, at codon 179 of the COCH protein (p.Arg179Cys). This variant is present in population databases (no rsID available, gnomAD 0.0009%). This missense change has been observed in individual(s) with deafness (PMID: 33229591). This variant is also known as c.730C>T (p.Arg244Cys). ClinVar contains an entry for this variant (Variation ID: 3672971). Invitae Evidence Modeling of protein sequence and biophysical properties (such as structural, functional, and spatial information, amino acid conservation, physicochemical variation, residue mobility, and thermodynamic stability) has been performed for this missense variant. However, the output from this modeling did not meet the statistical confidence thresholds required to predict the impact of this variant on COCH protein function. In summary, the available evidence is currently insufficient to determine the role of this variant in disease. Therefore, it has been classified as a Variant of Uncertain Significance.

Literature cited by the submitters: PubMed 33229591.

NM_004086.3(COCH):c.535C>T (p.Arg179Cys)

Genes: COCH (cochlin; plus strand), COCH-AS1 (COCH antisense RNA 1; minus strand). Cytogenetic location: 14q12.
Variant type: single nucleotide variant.
Coding change: c.535C>T on transcript NM_004086.3 (MANE Select); coding-DNA position 535, C replaced by T.
Protein change: p.Arg179Cys; replaces arginine 179 with cysteine.
Molecular consequence: missense variant.
Genome position (GRCh38, 1-based): chr14:30,880,640, C>T. VCF-style: chr14-30880640-C-T. GRCh37 (hg19) VCF-style: chr14-31349846-C-T.
Other names: c.535C>T, p.Arg179Cys (NM_001135058.2); c.730C>T, p.Arg244Cys (NM_001347720.2); short protein forms R179C, R244C.
Identifiers: ClinVar variation 3672971 (VCV003672971.2).
Genomic context (GRCh38, chr14:30,880,640, plus strand): 5'-TTCGCAGATTGTAAAGCAGACATTGCATTTCTGATTGATGGAAGCTTTAATATTGGGCAG[C>T]GCCGATTTAATTTACAGAAGAATTTTGTTGGAAAAGTGGCTCTAATGTTGGGAATTGGAA-3'
Protein context (NP_004077.1, residues 169-189): LIDGSFNIGQ[Arg179Cys]RFNLQKNFVG